The following is an entry in ClinVar:

NM_015386.3(COG4):c.2141C>G (p.Ser714Trp)

Gene: COG4 (component of oligomeric golgi complex 4; minus strand). Cytogenetic location: 16q22.1.
Variant type: single nucleotide variant.
Coding change: c.2141C>G on transcript NM_015386.3 (MANE Select); coding-DNA position 2141, C replaced by G.
Protein change: p.Ser714Trp; replaces serine 714 with tryptophan.
Molecular consequence: missense variant. On other transcripts: non-coding transcript variant (1).
Genome position (GRCh38, 1-based): chr16:70,481,453, G>C on the plus strand (C>G on the coding strand, the complement: COG4 is on the minus strand). VCF-style: chr16-70481453-G-C. GRCh37 (hg19) VCF-style: chr16-70515356-G-C.
Other names: c.2066C>G, p.Ser689Trp (NM_001195139.2); c.1715C>G, p.Ser572Trp (NM_001365426.1); short protein forms S572W, S689W, S714W.
Identifiers: ClinVar variation 1016153 (VCV001016153.8), dbSNP rs751809847, ClinGen allele CA396578416.

ClinVar aggregate classification (germline): Uncertain significance (1 of 4 stars; one submission).

Conditions:
COG4-congenital disorder of glycosylation. Also called: CONGENITAL DISORDER OF GLYCOSYLATION, TYPE IIj; CDG IIj; COG4-CDG. Identifiers: Orphanet 263501, MedGen C4303552, MONDO:0013281, OMIM 613489.

Submission:

Labcorp Genetics (formerly Invitae), Labcorp
Classification: Uncertain significance for COG4-congenital disorder of glycosylation. Last evaluated: 2022-09-01. Review status: criteria provided, single submitter. Criteria: Invitae Variant Classification Sherloc (09022015). Collection method: clinical testing. Allele origin: germline.
Comment: This sequence change replaces serine, which is neutral and polar, with tryptophan, which is neutral and slightly polar, at codon 714 of the COG4 protein (p.Ser714Trp). This variant is not present in population databases (gnomAD no frequency). This variant has not been reported in the literature in individuals affected with COG4-related conditions. ClinVar contains an entry for this variant (Variation ID: 1016153). Algorithms developed to predict the effect of missense changes on protein structure and function are either unavailable or do not agree on the potential impact of this missense change (SIFT: "Deleterious"; PolyPhen-2: "Probably Damaging"; Align-GVGD: "Class C0"). In summary, the available evidence is currently insufficient to determine the role of this variant in disease. Therefore, it has been classified as a Variant of Uncertain Significance.